The following is an entry in ClinVar:

NM_001065.4(TNFRSF1A):c.769-5_769-4del

Gene: TNFRSF1A (TNF receptor superfamily member 1A; minus strand). Cytogenetic location: 12p13.31.
Variant type: Deletion.
Coding change: c.769-5_769-4del on transcript NM_001065.4 (MANE Select); 5 bases into the intron before coding-DNA position 769 through 4 bases into the intron before coding-DNA position 769, 2 bases deleted (TT; older notation c.769-5_769-4delTT).
Molecular consequence: intron variant.
Genome position (GRCh38, 1-based): chr12:6,330,070-6,330,071, AA deleted on the plus strand (TT on the coding strand, the reverse complement: TNFRSF1A is on the minus strand); deleting any 2 consecutive bases within chr12:6,330,070-6,330,072 gives the same sequence; the c. name uses the placement nearest the transcript's 3' end. VCF-style (leftmost placement, unchanged base first): chr12-6330069-GAA-G. GRCh37 (hg19) VCF-style: chr12-6439235-GAA-G.
Other names: c.445-5_445-4del (NM_001346091.2); c.310-5_310-4del (NM_001346092.2).
Identifiers: ClinVar variation 968318 (VCV000968318.9), dbSNP rs1948022227, ClinGen allele CA1139662487.
Genomic context (GRCh38, chr12:6,330,069, plus strand): 5'-TGGGACTGAAGCTTGGGTTTGGGGCCAGGGGCTTAGTAGTAGTTCCTTCAAGCTCCCCCT[GAA>G]AGAGAGAAGGTGGCGCAGCATTAGTGCGGCAGCGAAAACCAGCCCCGGCCCTCTTTATTC-3'

ClinVar aggregate classification (germline): Uncertain significance (1 of 4 stars; one submission).

Conditions:
TNF receptor-associated periodic fever syndrome (TRAPS) (FPF). Also called: Autosomal Dominant Familial Periodic Fever; TNF Receptor-Associated Periodic Fever Syndrome; TNF receptor 1-associated periodic fever syndrome; FAMILIAL HIBERNIAN FEVER; TNF RECEPTOR-ASSOCIATED PERIODIC SYNDROME; TUMOR NECROSIS FACTOR RECEPTOR-ASSOCIATED PERIODIC SYNDROME. Identifiers: Orphanet 32960, MedGen C1275126, MONDO:0007727, OMIM 142680.

Submission:

Labcorp Genetics (formerly Invitae), Labcorp
Classification: Uncertain significance for TNF receptor-associated periodic fever syndrome (TRAPS). Last evaluated: 2019-11-09. Review status: criteria provided, single submitter. Criteria: Invitae Variant Classification Sherloc (09022015). Collection method: clinical testing. Allele origin: germline.
Comment: This sequence change falls in intron 8 of the TNFRSF1A gene. It does not directly change the encoded amino acid sequence of the TNFRSF1A protein. This variant is not present in population databases (ExAC no frequency). This variant has not been reported in the literature in individuals with TNFRSF1A-related conditions. Algorithms developed to predict the effect of sequence changes on RNA splicing suggest that this variant may disrupt the consensus splice site, but this prediction has not been confirmed by published transcriptional studies. In summary, the available evidence is currently insufficient to determine the role of this variant in disease. Therefore, it has been classified as a Variant of Uncertain Significance.